The following is an entry in ClinVar:

ClinVar aggregate classification (germline): Conflicting classifications of pathogenicity. Review status: criteria provided, conflicting classifications (1 of 4 stars). 2 submissions from 2 submitters: Uncertain significance (1); Benign (1). Last evaluated 2025-01-31.

Conditions:
Amyotrophic lateral sclerosis type 4 (ALS4). Also called: AMYOTROPHIC LATERAL SCLEROSIS 4, JUVENILE; NEURONOPATHY, DISTAL HEREDITARY MOTOR, WITH PYRAMIDAL FEATURES. Identifiers: Orphanet 357043, MedGen C1865409, MONDO:0011223, OMIM 602433.
Spinocerebellar ataxia, autosomal recessive, with axonal neuropathy 2 (SCAN2). Also called: ATAXIA-OCULOMOTOR APRAXIA 2; Ataxia with Oculomotor Apraxia Type 2; Ataxia-ocular apraxia-2; Ataxia with Oculomotor Apraxia. Identifiers: Orphanet 64753, MedGen C1853761, MONDO:0018996, OMIM 606002.

gnomAD v4.1: 12 of 1,613,214 alleles (0.00074%); highest among the groups gnomAD compares: Admixed American, 0.0067%; no homozygotes.

Submissions (2):

Mayo Clinic Laboratories, Mayo Clinic
Classification: Uncertain significance. Last evaluated: 2025-01-31. Review status: criteria provided, single submitter. Criteria: ACMG Guidelines, 2015. Collection method: clinical testing. Allele origin: germline. Observed: 1 variant allele.
Comment: BP4

Labcorp Genetics (formerly Invitae), Labcorp
Classification: Benign for Amyotrophic lateral sclerosis type 4; Spinocerebellar ataxia, autosomal recessive, with axonal neuropathy 2. Last evaluated: 2024-03-16. Review status: criteria provided, single submitter. Criteria: Invitae Variant Classification Sherloc (09022015). Collection method: clinical testing. Allele origin: germline.

NM_015046.7(SETX):c.1025C>T (p.Pro342Leu)

Gene: SETX (senataxin; minus strand). Cytogenetic location: 9q34.13.
Variant type: single nucleotide variant.
Coding change: c.1025C>T on transcript NM_015046.7 (MANE Select); coding-DNA position 1025, C replaced by T.
Protein change: p.Pro342Leu; replaces proline 342 with leucine.
Molecular consequence: missense variant.
Genome position (GRCh38, 1-based): chr9:132,331,125, G>A on the plus strand (C>T on the coding strand, the complement: SETX is on the minus strand). VCF-style: chr9-132331125-G-A. GRCh37 (hg19) VCF-style: chr9-135206512-G-A.
Other names: p.Pro342Leu; c.1025C>T, p.Pro342Leu (NM_001351527.2, NM_001351528.2); short protein forms P342L.
Identifiers: ClinVar variation 3755017 (VCV003755017.3).